The following is an entry in ClinVar:

NM_002834.5(PTPN11):c.854-30T>C

Gene: PTPN11 (protein tyrosine phosphatase non-receptor type 11; plus strand). Cytogenetic location: 12q24.13.
Variant type: single nucleotide variant.
Coding change: c.854-30T>C on transcript NM_002834.5 (MANE Select); 30 bases into the intron before coding-DNA position 854, T replaced by C.
Molecular consequence: intron variant.
Genome position (GRCh38, 1-based): chr12:112,477,621, T>C. VCF-style: chr12-112477621-T-C. GRCh37 (hg19) VCF-style: chr12-112915425-T-C.
Other names: c.854-30T>C (NM_001330437.2, NM_080601.3); c.851-30T>C (NM_001374625.1).
Identifiers: ClinVar variation 40531 (VCV000040531.16), dbSNP rs144391508, ClinGen allele CA130822.

ClinVar aggregate classification (germline): Benign. Review status: criteria provided, multiple submitters, no conflicts (2 of 4 stars). 6 submissions from 6 submitters: Benign (5). 1 of the submissions does not count toward it. Last evaluated 2017-11-28.

Conditions:
Noonan syndrome (NS). Also called: Noonan's syndrome. Identifiers: Orphanet 648, MedGen C0028326, MeSH D009634, MONDO:0018997. Disease mechanism: gain of function.

Allele frequency attached by ClinVar (database versions not stated): ExAC 0.01297; TOPMed 0.01581; gnomAD exomes 0.01801 and 0.00427; 1000 Genomes Project 0.01837; 1000 Genomes Project 30x 0.01874; gnomAD 0.00909 and 0.00933; ESP Exome Variant Server 0.00092.
gnomAD v4.1: 7,432 of 1,561,580 alleles (0.48%); highest among the groups gnomAD compares: Admixed American, 11%; 484 homozygotes.

Submissions (6):

Women's Health and Genetics/Laboratory Corporation of America, LabCorp
Classification: Benign. Last evaluated: 2017-11-28. Review status: criteria provided, single submitter. Criteria: LabCorp Variant Classification Summary - May 2015. Collection method: clinical testing. Allele origin: germline.
Comment: Variant summary: The PTPN11 c.854-30T>C variant involves the alteration of a non-conserved intronic nucleotide and 5/5 splice prediction tools predict no significant impact on normal splicing. However, these predictions have yet to be confirmed by functional studies. This variant was found in 4526/276876 control chromosomes (320 homozygotes) (gnomAD), predominantly observed in the Latino subpopulation at a frequency of 0.126476 (4349/34386). This frequency is about 2000 times the estimated maximal expected allele frequency of a pathogenic PTPN11 variant (0.0000625), suggesting this is likely a benign polymorphism found primarily in the populations of Latino origin. In addition, multiple clinical diagnostic laboratories/reputable databases classified this variant as benign. Taken together, this variant is classified as benign.

GeneDx
Classification: Benign. Last evaluated: 2015-03-03. Review status: criteria provided, single submitter. Criteria: GeneDx Variant Classification Process June 2021. Collection method: clinical testing. Allele origin: germline. Affected: yes.

Eurofins Ntd Llc (ga)
Classification: Benign. Last evaluated: 2013-03-01. Review status: criteria provided, single submitter. Criteria: EGL Classification Definitions 2015. Collection method: clinical testing. Allele origin: germline. Observed: 5 variant alleles, 4 heterozygotes, 1 homozygote.

Breakthrough Genomics
Classification: Benign. Review status: criteria provided, single submitter. Criteria: ACMG Guidelines, 2015. Collection method: not provided. Allele origin: germline. Inheritance: Autosomal dominant inheritance. Affected: yes.

PreventionGenetics, part of Exact Sciences
Classification: Benign. Review status: criteria provided, single submitter. Criteria: ACMG Guidelines, 2015. Collection method: clinical testing. Allele origin: germline.

ARUP Laboratories, Molecular Genetics and Genomics, ARUP Laboratories
Classification: Benign for Noonan syndrome. Last evaluated: 2014-05-29. Review status: no assertion criteria provided. Collection method: clinical testing. Allele origin: unknown. Not counted in ClinVar's aggregate classification.

Literature cited by the submitters: PubMed 27069254 (cited by Women's Health and Genetics/Laboratory Corporation of America, LabCorp); PubMed 17972951 (cited by Women's Health and Genetics/Laboratory Corporation of America, LabCorp); PubMed 14644997 (cited by Women's Health and Genetics/Laboratory Corporation of America, LabCorp); PubMed 15385933 (cited by Women's Health and Genetics/Laboratory Corporation of America, LabCorp); PubMed 25395418 (cited by Women's Health and Genetics/Laboratory Corporation of America, LabCorp); PubMed 19047918 (cited by Women's Health and Genetics/Laboratory Corporation of America, LabCorp).